The following is an entry in ClinVar:

NM_004260.4(RECQL4):c.2250C>G (p.Ser750Arg)

Gene: RECQL4 (RecQ like helicase 4; minus strand). Cytogenetic location: 8q24.3.
Variant type: single nucleotide variant.
Coding change: c.2250C>G on transcript NM_004260.4 (MANE Select); coding-DNA position 2250, C replaced by G.
Protein change: p.Ser750Arg; replaces serine 750 with arginine.
Molecular consequence: missense variant.
Genome position (GRCh38, 1-based): chr8:144,513,431, G>C on the plus strand (C>G on the coding strand, the complement: RECQL4 is on the minus strand). VCF-style: chr8-144513431-G-C. GRCh37 (hg19) VCF-style: chr8-145738815-G-C.
Other names: short protein forms S750R.
Identifiers: ClinVar variation 459390 (VCV000459390.3), dbSNP rs761639839, ClinGen allele CA372678478.

ClinVar aggregate classification (germline): Uncertain significance (1 of 4 stars; one submission).

Conditions:
Baller-Gerold syndrome (BGS). Also called: CRANIOSYNOSTOSIS WITH RADIAL DEFECTS. Identifiers: Orphanet 1225, MedGen C0265308, MONDO:0009039, OMIM 218600.

Submission:

Labcorp Genetics (formerly Invitae), Labcorp
Classification: Uncertain significance for Baller-Gerold syndrome. Last evaluated: 2020-01-15. Review status: criteria provided, single submitter. Criteria: Invitae Variant Classification Sherloc (09022015). Collection method: clinical testing. Allele origin: germline.
Comment: This sequence change replaces serine with arginine at codon 750 of the RECQL4 protein (p.Ser750Arg). The serine residue is moderately conserved and there is a moderate physicochemical difference between serine and arginine. In summary, this variant has uncertain impact on RECQL4 function. The available evidence is currently insufficient to determine its role in disease. Therefore, it has been classified as a Variant of Uncertain Significance. Algorithms developed to predict the effect of missense changes on protein structure and function do not agree on the potential impact of this missense change (SIFT: "Deleterious"; PolyPhen-2: "Benign"; Align-GVGD: "Class C0"). This variant has not been reported in the literature in individuals with a RECQL4-related disease. ClinVar contains an entry for this variant (Variation ID: 459390). This variant is not present in population databases (ExAC no frequency).